The following is an entry in ClinVar:

NM_000330.4(RS1):c.196C>G (p.His66Asp)

Genes: CDKL5 (cyclin dependent kinase like 5; plus strand), RS1 (retinoschisin 1; minus strand). Cytogenetic location: Xp22.13.
Variant type: single nucleotide variant.
Coding change: c.196C>G on transcript NM_000330.4 (MANE Select); coding-DNA position 196, C replaced by G.
Protein change: p.His66Asp; replaces histidine 66 with aspartic acid.
Molecular consequence: missense variant. On other transcripts: intron variant (2).
Genome position (GRCh38, 1-based): chrX:18,647,321, G>C on the plus strand (C>G on the coding strand, the complement: RS1 is on the minus strand). VCF-style: chrX-18647321-G-C. GRCh37 (hg19) VCF-style: chrX-18665441-G-C.
Other names: c.2797+1231G>C (NM_003159.3, NM_001037343.2); short protein forms H66D.
Identifiers: ClinVar variation 1401448 (VCV001401448.6), dbSNP rs1244059097, ClinGen allele CA412372994.

ClinVar aggregate classification (germline): Uncertain significance. Review status: criteria provided, multiple submitters, no conflicts (2 of 4 stars). 2 submissions from 2 submitters: Uncertain significance (2). Last evaluated 2025-06-09.

Allele frequency attached by ClinVar (database versions not stated): gnomAD exomes 0.00001.
gnomAD v4.1: 5 of 1,210,690 alleles (0.00041%); highest among the groups gnomAD compares: Middle Eastern, 0.024%; no homozygotes.

Submissions (2):

Women's Health and Genetics/Laboratory Corporation of America, LabCorp
Classification: Uncertain significance. Last evaluated: 2025-06-09. Review status: criteria provided, single submitter. Criteria: LabCorp Variant Classification Summary - May 2015. Collection method: clinical testing. Allele origin: germline.
Comment: Variant summary: RS1 c.196C>G (p.His66Asp) results in a non-conservative amino acid change in the encoded protein sequence. Algorithms developed to predict the effect of missense changes on protein structure and function all suggest that this variant is likely to be disruptive. The variant allele was found at a frequency of 5.5e-06 in 183387 control chromosomes. c.196C>G has been observed in individuals affected with Juvenile Retinoschisis or inherited retinal degeneration (Wang_2019, Xiao_2023). These data indicate that the variant may be associated with disease. To our knowledge, no experimental evidence demonstrating an impact on protein function has been reported. The following publications have been ascertained in the context of this evaluation (PMID: 31106028, 34645606). ClinVar contains an entry for this variant (Variation ID: 1401448). Based on the evidence outlined above, the variant was classified as VUS-possibly pathogenic.

Labcorp Genetics (formerly Invitae), Labcorp
Classification: Uncertain significance. Last evaluated: 2022-09-19. Review status: criteria provided, single submitter. Criteria: Invitae Variant Classification Sherloc (09022015). Collection method: clinical testing. Allele origin: germline.
Comment: This sequence change replaces histidine, which is basic and polar, with aspartic acid, which is acidic and polar, at codon 66 of the RS1 protein (p.His66Asp). This variant is present in population databases (no rsID available, gnomAD 0.008%). This missense change has been observed in individual(s) with clinical features of RS1-related conditions (PMID: 31106028). ClinVar contains an entry for this variant (Variation ID: 1401448). Advanced modeling of protein sequence and biophysical properties (such as structural, functional, and spatial information, amino acid conservation, physicochemical variation, residue mobility, and thermodynamic stability) performed at Invitae indicates that this missense variant is expected to disrupt RS1 protein function. In summary, the available evidence is currently insufficient to determine the role of this variant in disease. Therefore, it has been classified as a Variant of Uncertain Significance.

Literature cited by the submitters: PubMed 31106028 (cited by Women's Health and Genetics/Laboratory Corporation of America, LabCorp and Labcorp Genetics (formerly Invitae), Labcorp); PubMed 34645606 (cited by Women's Health and Genetics/Laboratory Corporation of America, LabCorp).